The following is an entry in ClinVar:

NM_000743.5(CHRNA3):c.1459T>A (p.Cys487Ser)

Gene: CHRNA3 (cholinergic receptor nicotinic alpha 3 subunit; minus strand). Cytogenetic location: 15q25.1.
Variant type: single nucleotide variant.
Coding change: c.1459T>A on transcript NM_000743.5 (MANE Select); coding-DNA position 1459, T replaced by A.
Protein change: p.Cys487Ser; replaces cysteine 487 with serine.
Molecular consequence: missense variant. On other transcripts: non-coding transcript variant (1), intron variant (1).
Genome position (GRCh38, 1-based): chr15:78,596,663, A>T on the plus strand (T>A on the coding strand, the complement: CHRNA3 is on the minus strand). VCF-style: chr15-78596663-A-T. GRCh37 (hg19) VCF-style: chr15-78889005-A-T.
Other names: c.1390-3472T>A (NM_001166694.2); short protein forms C487S.
Identifiers: ClinVar variation 2133189 (VCV002133189.4), dbSNP rs772596477, ClinGen allele CA7684233.

ClinVar aggregate classification (germline): Uncertain significance (1 of 4 stars; one submission).

Allele frequency attached by ClinVar (database versions not stated): gnomAD exomes 0.00001; ExAC 0.00002.
gnomAD v4.1: 3 of 1,613,366 alleles (0.00019%); highest among the groups gnomAD compares: Admixed American, 0.005%; no homozygotes.

Submission:

Labcorp Genetics (formerly Invitae), Labcorp
Classification: Uncertain significance. Last evaluated: 2022-05-03. Review status: criteria provided, single submitter. Criteria: Invitae Variant Classification Sherloc (09022015). Collection method: clinical testing. Allele origin: germline.
Comment: This variant is present in population databases (rs772596477, gnomAD 0.003%). This sequence change replaces cysteine, which is neutral and slightly polar, with serine, which is neutral and polar, at codon 487 of the CHRNA3 protein (p.Cys487Ser). This variant has not been reported in the literature in individuals affected with CHRNA3-related conditions. Algorithms developed to predict the effect of missense changes on protein structure and function are either unavailable or do not agree on the potential impact of this missense change (SIFT: "Tolerated"; PolyPhen-2: "Probably Damaging"; Align-GVGD: "Class C0"). Algorithms developed to predict the effect of sequence changes on RNA splicing suggest that this variant may disrupt the consensus splice site. In summary, the available evidence is currently insufficient to determine the role of this variant in disease. Therefore, it has been classified as a Variant of Uncertain Significance.